The following is an entry in ClinVar:

NM_000038.6(APC):c.1175A>T (p.His392Leu)

Gene: APC (APC regulator of Wnt signaling pathway; plus strand). Cytogenetic location: 5q22.2.
Variant type: single nucleotide variant.
Coding change: c.1175A>T on transcript NM_000038.6 (MANE Select); coding-DNA position 1175, A replaced by T.
Protein change: p.His392Leu; replaces histidine 392 with leucine.
Molecular consequence: missense variant. On other transcripts: non-coding transcript variant (2), intron variant (15).
Genome position (GRCh38, 1-based): chr5:112,819,207, A>T. VCF-style: chr5-112819207-A-T. GRCh37 (hg19) VCF-style: chr5-112154904-A-T.
Other names: c.1175A>T, p.His392Leu (NM_001407448.1, NM_001407449.1, NM_001407450.1 and 4 more transcripts); c.1100A>T, p.His367Leu (NM_001407451.1, NM_001354898.2); c.1091A>T, p.His364Leu (NM_001407452.1, NM_001354899.2); c.998A>T, p.His333Leu (NM_001407453.1, NM_001354900.2, NM_001354901.2); c.326A>T, p.His109Leu (NM_001407470.1, NM_001354906.2); c.85-62A>T (NM_001407472.1, NM_001407471.1); c.934-62A>T (NM_001407456.1, NM_001407460.1, NM_001407457.1 and 5 more transcripts); c.1121A>T, p.His374Leu (NM_001127511.3); and 5 more; short protein forms H109L, H333L, H364L, H367L, H374L, H392L, H402L.
Identifiers: ClinVar variation 5025524 (VCV005025524.1).

ClinVar aggregate classification (germline): Uncertain significance (1 of 4 stars; one submission).

Conditions:
Hereditary cancer-predisposing syndrome. Also called: Neoplastic Syndromes, Hereditary; Tumor predisposition; Hereditary neoplastic syndrome; Hereditary Cancer Syndrome. Identifiers: Orphanet 140162, MedGen C0027672, MeSH D009386, MONDO:0015356.

Submission:

Ambry Genetics
Classification: Uncertain significance for Hereditary cancer-predisposing syndrome. Last evaluated: 2026-07-24. Review status: criteria provided, single submitter. Criteria: Ambry Variant Classification Scheme 2023. Collection method: clinical testing. Allele origin: germline.
Comment: The p.H392L variant (also known as c.1175A>T), located in coding exon 9 of the APC gene, results from an A to T substitution at nucleotide position 1175. The histidine at codon 392 is replaced by leucine, an amino acid with similar properties. This amino acid position is conserved. In addition, in silico predictors for this gene do not accurately predict pathogenicity. Based on the available evidence, the clinical significance of this variant remains unclear.